The following is an entry in ClinVar:

ClinVar aggregate classification (germline): Likely benign. Review status: criteria provided, multiple submitters, no conflicts (2 of 4 stars). 2 submissions from 2 submitters: Likely benign (2). Last evaluated 2025-10-31.

Conditions:
Catecholaminergic polymorphic ventricular tachycardia (CVPT). Also called: Catecholamine-induced polymorphic ventricular tachycardia. Identifiers: Orphanet 3286, MedGen C5574922, MONDO:0017990.
Catecholaminergic polymorphic ventricular tachycardia 1. Also called: VENTRICULAR TACHYCARDIA, CATECHOLAMINERGIC POLYMORPHIC, 1, WITH OR WITHOUT ATRIAL DYSFUNCTION AND/OR DILATED CARDIOMYOPATHY; RYR2-Related Catecholaminergic Polymorphic Ventricular Tachycardia; VENTRICULAR TACHYCARDIA, STRESS-INDUCED POLYMORPHIC 1. Identifiers: Orphanet 3286, MedGen C1631597, MONDO:0011484, OMIM 604772.

gnomAD v4.1: 10 of 1,557,886 alleles (0.00064%); highest among the groups gnomAD compares: South Asian, 0.012%; no homozygotes.

Submissions (2):

Labcorp Genetics (formerly Invitae), Labcorp
Classification: Likely benign for Catecholaminergic polymorphic ventricular tachycardia 1. Last evaluated: 2025-10-31. Review status: criteria provided, single submitter. Criteria: Invitae Variant Classification Sherloc (09022015). Collection method: clinical testing. Allele origin: germline.

All of Us Research Program, National Institutes of Health
Classification: Likely benign for Catecholaminergic polymorphic ventricular tachycardia. Last evaluated: 2023-06-08. Review status: criteria provided, single submitter. Criteria: ACMG Guidelines, 2015. Collection method: clinical testing. Allele origin: germline. Inheritance: Autosomal dominant inheritance. Observed: 1 variant allele, 1 heterozygote.
Comment: This study involves interpretation of variants in research participants for the purpose of population health screening. Participant phenotype was not available at the time of variant classification. Additional details can be found in publication PMID: 35346344, PMCID: PMC8962531

NM_001035.3(RYR2):c.8209-12C>T

Gene: RYR2 (ryanodine receptor 2; plus strand). Cytogenetic location: 1q43.
Variant type: single nucleotide variant.
Coding change: c.8209-12C>T on transcript NM_001035.3 (MANE Select); 12 bases into the intron before coding-DNA position 8209, C replaced by T.
Molecular consequence: intron variant.
Genome position (GRCh38, 1-based): chr1:237,659,973, C>T. VCF-style: chr1-237659973-C-T. GRCh37 (hg19) VCF-style: chr1-237823273-C-T.
Identifiers: ClinVar variation 2041668 (VCV002041668.5), dbSNP rs767601681, ClinGen allele CA087583.